The following is an entry in ClinVar:

NM_002691.4(POLD1):c.2503del (p.Asp835fs)

Gene: POLD1 (DNA polymerase delta 1, catalytic subunit; plus strand). Cytogenetic location: 19q13.33.
Variant type: Deletion.
Coding change: c.2503del on transcript NM_002691.4 (MANE Select); coding-DNA position 2503, one base deleted (G; older notation c.2503delG).
Protein change: p.Asp835fs; shifts the reading frame from aspartic acid 835.
Molecular consequence: frameshift variant. On other transcripts: non-coding transcript variant (1).
Genome position (GRCh38, 1-based): chr19:50,414,929, G deleted; the last of 3 consecutive G bases (chr19:50,414,927-50,414,929); deleting any one gives the same sequence. VCF-style (leftmost placement, unchanged base first): chr19-50414926-AG-A. GRCh37 (hg19) VCF-style: chr19-50918183-AG-A.
Other names: c.2503del, p.Asp835fs (NM_001256849.1); c.2581del, p.Asp861fs (NM_001308632.1); short protein forms D861fs, D835fs.
Identifiers: ClinVar variation 1474124 (VCV001474124.6), dbSNP rs2122466705, ClinGen allele CA2573156726.

ClinVar aggregate classification (germline): Uncertain significance (1 of 4 stars; one submission).

Conditions:
POLD1-related polyposis and colorectal cancer syndrome (CRCS10). Also called: Colorectal cancer 10; COLORECTAL CANCER, SUSCEPTIBILITY TO, ON CHROMOSOME 19q; Colorectal cancer, susceptibility to, 10. Identifiers: Orphanet 220460, MedGen C2675481, MONDO:0012953, OMIM 612591.

Submission:

Labcorp Genetics (formerly Invitae), Labcorp
Classification: Uncertain significance for POLD1-related polyposis and colorectal cancer syndrome. Last evaluated: 2024-04-29. Review status: criteria provided, single submitter. Criteria: Invitae Variant Classification Sherloc (09022015). Collection method: clinical testing. Allele origin: germline.
Comment: This sequence change creates a premature translational stop signal (p.Asp835Thrfs*53) in the POLD1 gene. Missense variants that disrupt the 3'-5' exonuclease (proof-reading) activity of the POLD1 protein are associated with PPAP (polymerase proofreading–associated polyposis) (PMID: 23263490, 23447401). However, loss-of-function variants that result in an absent or severely disrupted POLD1 protein, and missense variants outside the exonuclease domain, are unlikely to be associated with PPAP. This variant is not present in population databases (gnomAD no frequency). This variant has not been reported in the literature in individuals affected with POLD1-related conditions. ClinVar contains an entry for this variant (Variation ID: 1474124). In summary, the available evidence is currently insufficient to determine the role of this variant in disease. Therefore, it has been classified as a Variant of Uncertain Significance.

Literature cited by the submitters: PubMed 23263490; PubMed 23447401.